The following is an entry in ClinVar:

ClinVar aggregate classification (germline): Uncertain significance (1 of 4 stars; one submission).

Conditions:
Gastrointestinal stromal tumor. Also called: Gastrointestinal stromal tumor, somatic; Gastrointestinal stroma tumor. Identifiers: Orphanet 44890, MedGen C0238198, MeSH D046152, MONDO:0011719, OMIM 606764, HP:0100723.

Allele frequency attached by ClinVar (database versions not stated): gnomAD exomes below 0.00001.
gnomAD v4.1: 2 of 1,611,276 alleles (0.00012%); highest among the groups gnomAD compares: East Asian, 0.0045%; no homozygotes.

Submission:

Labcorp Genetics (formerly Invitae), Labcorp
Classification: Uncertain significance for Gastrointestinal stromal tumor. Last evaluated: 2018-08-18. Review status: criteria provided, single submitter. Criteria: Invitae Variant Classification Sherloc (09022015). Collection method: clinical testing. Allele origin: germline.
Comment: In summary, the available evidence is currently insufficient to determine the role of this variant in disease. Therefore, it has been classified as a Variant of Uncertain Significance. Algorithms developed to predict the effect of missense changes on protein structure and function are either unavailable or do not agree on the potential impact of this missense change (SIFT: "Deleterious"; PolyPhen-2: "Probably Damaging"; Align-GVGD: "Class C0"). This variant has not been reported in the literature in individuals with PDGFRA-related disease. This variant is not present in population databases (ExAC no frequency). This sequence change replaces alanine with valine at codon 384 of the PDGFRA protein (p.Ala384Val). The alanine residue is highly conserved and there is a small physicochemical difference between alanine and valine.

NM_006206.6(PDGFRA):c.1151C>T (p.Ala384Val)

Gene: PDGFRA (platelet derived growth factor receptor alpha; plus strand). Cytogenetic location: 4q12.
Variant type: single nucleotide variant.
Coding change: c.1151C>T on transcript NM_006206.6 (MANE Select); coding-DNA position 1151, C replaced by T.
Protein change: p.Ala384Val; replaces alanine 384 with valine.
Molecular consequence: missense variant.
Genome position (GRCh38, 1-based): chr4:54,270,662, C>T. VCF-style: chr4-54270662-C-T. GRCh37 (hg19) VCF-style: chr4-55136829-C-T.
Other names: c.1151C>T, p.Ala384Val (NM_001347827.2, NM_001347829.2); c.1226C>T, p.Ala409Val (NM_001347828.2); c.1190C>T, p.Ala397Val (NM_001347830.2); short protein forms A409V, A384V, A397V.
Identifiers: ClinVar variation 653788 (VCV000653788.9), dbSNP rs1577719527, ClinGen allele CA356891926.